The following is an entry in ClinVar:

ClinVar aggregate classification (germline): Uncertain significance. Review status: criteria provided, single submitter (1 of 4 stars). 2 submissions from 2 submitters: Uncertain significance (1). 1 of the submissions does not count toward it. Last evaluated 2019-06-15.

Conditions:
Neutropenia, severe congenital, 1, autosomal dominant. Identifiers: MedGen C1859966, MONDO:0042490, OMIM 202700.
Cyclical neutropenia. Also called: Cyclic Neutropenia; Cyclic hematopoiesis. Identifiers: Orphanet 2686, MedGen C0221023, MONDO:0008090, OMIM 162800, HP:0040289. Disease mechanism: loss of function.

Submissions (2):

Labcorp Genetics (formerly Invitae), Labcorp
Classification: Uncertain significance for Neutropenia, severe congenital, 1, autosomal dominant; Cyclical neutropenia. Last evaluated: 2019-06-15. Review status: criteria provided, single submitter. Criteria: Invitae Variant Classification Sherloc (09022015). Collection method: clinical testing. Allele origin: germline.
Comment: In summary, the available evidence is currently insufficient to determine the role of this variant in disease. Therefore, it has been classified as a Variant of Uncertain Significance. Experimental studies and prediction algorithms are not available or were not evaluated for this variant, and the functional significance of the affected amino acid(s) is currently unknown. This variant has not been reported in the literature in individuals with ELANE-related conditions. This variant is not present in population databases (ExAC no frequency). This variant, c.163_165del, results in the deletion of 1 amino acid(s) of the ELANE protein (p.Cys55del), but otherwise preserves the integrity of the reading frame.

Laboratory of Immunopathology and Genetics, Medical Laboratory of Pediatric Oncology and Hematology, Central Clinical Hospital of the Medical University of Lodz
Classification: Likely pathogenic for Neutropenia, severe congenital, 1, autosomal dominant. Last evaluated: 2024-12-01. Review status: no assertion criteria provided. Collection method: clinical testing. Allele origin: germline. Affected: yes. Observed: 1 variant allele. Not counted in ClinVar's aggregate classification.

NM_001972.4(ELANE):c.163_165del (p.Cys55del)

Gene: ELANE (elastase, neutrophil expressed; plus strand). Cytogenetic location: 19p13.3.
Variant type: Deletion.
Coding change: c.163_165del on transcript NM_001972.4 (MANE Select); coding-DNA positions 163 to 165, 3 bases deleted (TGC; older notation c.163_165delTGC).
Protein change: p.Cys55del; deletes cysteine 55.
Molecular consequence: inframe deletion.
Genome position (GRCh38, 1-based): chr19:852,971-852,973, TGC deleted; deleting any 3 consecutive bases within chr19:852,970-852,973 gives the same sequence; the c. name uses the placement nearest the transcript's 3' end. VCF-style (leftmost placement, unchanged base first): chr19-852969-TCTG-T. GRCh37 (hg19) VCF-style: chr19-852969-TCTG-T.
Other names: short protein forms C55del.
Identifiers: ClinVar variation 934610 (VCV000934610.13), dbSNP rs2035617167, ClinGen allele CA1139666166.